The following is an entry in ClinVar:

ClinVar aggregate classification (germline): Uncertain significance (1 of 4 stars; one submission).

Conditions:
Progressive myoclonic epilepsy. Also called: Familial progressive myoclonic epilepsy; Myoclonus epilepsy; Myoclonic Epilepsies, Progressive; Progressive myoclonus epilepsy. Identifiers: Orphanet 308, Orphanet 98261, MedGen C0751778, MONDO:0020074.

Allele frequency attached by ClinVar (database versions not stated): gnomAD exomes below 0.00001 and 0.00001; gnomAD 0.00001; TOPMed 0.00001; ExAC 0.00003; ESP Exome Variant Server 0.00008.
gnomAD v4.1: 7 of 1,613,668 alleles (0.00043%); highest among the groups gnomAD compares: South Asian, 0.0022%; no homozygotes.

Submission:

Labcorp Genetics (formerly Invitae), Labcorp
Classification: Uncertain significance for Progressive myoclonic epilepsy. Last evaluated: 2020-09-23. Review status: criteria provided, single submitter. Criteria: Invitae Variant Classification Sherloc (09022015). Collection method: clinical testing. Allele origin: germline.
Comment: This sequence change replaces arginine with cysteine at codon 171 of the EPM2A protein (p.Arg171Cys). The arginine residue is highly conserved and there is a large physicochemical difference between arginine and cysteine. This variant is present in population databases (rs371974399, ExAC 0.006%). This variant has not been reported in the literature in individuals with EPM2A-related conditions. Algorithms developed to predict the effect of missense changes on protein structure and function (SIFT, PolyPhen-2, Align-GVGD) all suggest that this variant is likely to be disruptive, but these predictions have not been confirmed by published functional studies and their clinical significance is uncertain. In summary, the available evidence is currently insufficient to determine the role of this variant in disease. Therefore, it has been classified as a Variant of Uncertain Significance.

NM_005670.4(EPM2A):c.511C>T (p.Arg171Cys)

Gene: EPM2A (EPM2A glucan phosphatase, laforin; minus strand). Cytogenetic location: 6q24.3.
Variant type: single nucleotide variant.
Coding change: c.511C>T on transcript NM_005670.4 (MANE Select); coding-DNA position 511, C replaced by T.
Protein change: p.Arg171Cys; replaces arginine 171 with cysteine.
Molecular consequence: missense variant. On other transcripts: intron variant (1).
Genome position (GRCh38, 1-based): chr6:145,635,452, G>A on the plus strand (C>T on the coding strand, the complement: EPM2A is on the minus strand). VCF-style: chr6-145635452-G-A. GRCh37 (hg19) VCF-style: chr6-145956588-G-A.
Other names: c.511C>T, p.Arg171Cys (NM_001018041.2, NM_001368130.1); c.97C>T, p.Arg33Cys (NM_001360064.2, NM_001360071.2, NM_001368131.1); c.49C>T, p.Arg17Cys (NM_001368129.2, NM_001368132.1); c.477-7759C>T (NM_001360057.2); short protein forms R171C, R17C, R33C.
Identifiers: ClinVar variation 1011238 (VCV001011238.6), dbSNP rs371974399, ClinGen allele CA4035143.